The following is an entry in ClinVar:

NM_001349884.2(DRAM2):c.740A>C (p.Tyr247Ser)

Gene: DRAM2 (DNA damage regulated autophagy modulator 2; minus strand). Cytogenetic location: 1p13.3.
Variant type: single nucleotide variant.
Coding change: c.740A>C on transcript NM_001349884.2 (MANE Select); coding-DNA position 740, A replaced by C.
Protein change: p.Tyr247Ser; replaces tyrosine 247 with serine.
Molecular consequence: missense variant. On other transcripts: non-coding transcript variant (8).
Genome position (GRCh38, 1-based): chr1:111,118,221, T>G on the plus strand (A>C on the coding strand, the complement: DRAM2 is on the minus strand). VCF-style: chr1-111118221-T-G. GRCh37 (hg19) VCF-style: chr1-111660843-T-G.
Other names: c.740A>C, p.Tyr247Ser (NM_001349881.2, NM_001349882.2, NM_001349885.2 and 1 more transcripts); c.470A>C, p.Tyr157Ser (NM_001349886.2, NM_001349887.2, NM_001349888.2); c.350A>C, p.Tyr117Ser (NM_001349889.2, NM_001349890.2, NM_001349891.2 and 2 more transcripts); short protein forms Y117S, Y157S, Y247S.
Identifiers: ClinVar variation 2050189 (VCV002050189.4), dbSNP rs370965454, ClinGen allele CA341817953.

ClinVar aggregate classification (germline): Uncertain significance (1 of 4 stars; one submission).

Submission:

Labcorp Genetics (formerly Invitae), Labcorp
Classification: Uncertain significance. Last evaluated: 2022-07-12. Review status: criteria provided, single submitter. Criteria: Invitae Variant Classification Sherloc (09022015). Collection method: clinical testing. Allele origin: germline.
Comment: This variant has not been reported in the literature in individuals affected with DRAM2-related conditions. This variant is not present in population databases (gnomAD no frequency). This sequence change replaces tyrosine, which is neutral and polar, with serine, which is neutral and polar, at codon 247 of the DRAM2 protein (p.Tyr247Ser). In summary, the available evidence is currently insufficient to determine the role of this variant in disease. Therefore, it has been classified as a Variant of Uncertain Significance. Algorithms developed to predict the effect of missense changes on protein structure and function are either unavailable or do not agree on the potential impact of this missense change (SIFT: "Deleterious"; PolyPhen-2: "Probably Damaging"; Align-GVGD: "Class C0").